The following is an entry in ClinVar:

ClinVar aggregate classification (germline): Uncertain significance (1 of 4 stars; one submission).

gnomAD v4.1: 68 of 1,613,968 alleles (0.0042%); highest among the groups gnomAD compares: Non-Finnish European, 0.0056%; no homozygotes.

Submission:

Labcorp Genetics (formerly Invitae), Labcorp
Classification: Uncertain significance. Last evaluated: 2024-12-02. Review status: criteria provided, single submitter. Criteria: Invitae Variant Classification Sherloc (09022015). Collection method: clinical testing. Allele origin: germline.
Comment: This sequence change replaces proline, which is neutral and non-polar, with arginine, which is basic and polar, at codon 367 of the AUTS2 protein (p.Pro367Arg). This variant is present in population databases (rs758499832, gnomAD 0.003%). This variant has not been reported in the literature in individuals affected with AUTS2-related conditions. Invitae Evidence Modeling of protein sequence and biophysical properties (such as structural, functional, and spatial information, amino acid conservation, physicochemical variation, residue mobility, and thermodynamic stability) indicates that this missense variant is not expected to disrupt AUTS2 protein function with a negative predictive value of 80%. In summary, the available evidence is currently insufficient to determine the role of this variant in disease. Therefore, it has been classified as a Variant of Uncertain Significance.

NM_015570.4(AUTS2):c.1100C>G (p.Pro367Arg)

Gene: AUTS2 (activator of transcription and developmental regulator AUTS2; plus strand). Cytogenetic location: 7q11.22.
Variant type: single nucleotide variant.
Coding change: c.1100C>G on transcript NM_015570.4 (MANE Select); coding-DNA position 1100, C replaced by G.
Protein change: p.Pro367Arg; replaces proline 367 with arginine.
Molecular consequence: missense variant.
Genome position (GRCh38, 1-based): chr7:70,763,227, C>G. VCF-style: chr7-70763227-C-G. GRCh37 (hg19) VCF-style: chr7-70228213-C-G.
Other names: c.1100C>G, p.Pro367Arg (NM_001127231.3); short protein forms P367R.
Identifiers: ClinVar variation 3632867 (VCV003632867.2).